The following is an entry in ClinVar:

ClinVar aggregate classification (germline): Uncertain significance (1 of 4 stars; one submission).

Allele frequency attached by ClinVar (database versions not stated): TOPMed 0.00001.
gnomAD v4.1: 2 of 1,492,680 alleles (0.00013%); highest among the groups gnomAD compares: Non-Finnish European, 0.00018%; no homozygotes.

Submission:

Labcorp Genetics (formerly Invitae), Labcorp
Classification: Uncertain significance. Last evaluated: 2019-10-01. Review status: criteria provided, single submitter. Criteria: Invitae Variant Classification Sherloc (09022015). Collection method: clinical testing. Allele origin: germline.
Comment: In summary, the available evidence is currently insufficient to determine the role of this variant in disease. Therefore, it has been classified as a Variant of Uncertain Significance. Algorithms developed to predict the effect of missense changes on protein structure and function are either unavailable or do not agree on the potential impact of this missense change (SIFT: "Deleterious"; PolyPhen-2: "Probably Damaging"; Align-GVGD: "Class C0"). This variant has not been reported in the literature in individuals with P3H2-related conditions. The frequency data for this variant in the population databases is considered unreliable, as metrics indicate insufficient coverage at this position in the ExAC database. This sequence change replaces glutamic acid with glycine at codon 68 of the P3H2 protein (p.Glu68Gly). The glutamic acid residue is moderately conserved and there is a moderate physicochemical difference between glutamic acid and glycine.

NM_018192.4(P3H2):c.203A>G (p.Glu68Gly)

Gene: P3H2 (prolyl 3-hydroxylase 2; minus strand). Cytogenetic location: 3q28.
Variant type: single nucleotide variant.
Coding change: c.203A>G on transcript NM_018192.4 (MANE Select); coding-DNA position 203, A replaced by G.
Protein change: p.Glu68Gly; replaces glutamic acid 68 with glycine.
Molecular consequence: missense variant. On other transcripts: intron variant (1).
Genome position (GRCh38, 1-based): chr3:190,120,529, T>C on the plus strand (A>G on the coding strand, the complement: P3H2 is on the minus strand). VCF-style: chr3-190120529-T-C. GRCh37 (hg19) VCF-style: chr3-189838318-T-C.
Other names: c.-64+1674A>G (NM_001134418.2); short protein forms E68G.
Identifiers: ClinVar variation 933968 (VCV000933968.6), dbSNP rs1201439363, ClinGen allele CA355859958.
Genomic context (GRCh38, chr3:190,120,529, plus strand): 5'-CAGTGGCGGGCACAGCGCGTGCGGATTTCCCGCAGGCGCCGGTGGCTGCGCAGCGCCGCT[T>C]CCAAGTCGCGCACCGCTCGCTCGTAGTCTCCGCTGTAGTAGGCGGCCGCGCCGCTGGCGT-3'
Protein context (NP_060662.2, residues 58-78): GDYERAVRDL[Glu68Gly]AALRSHRRLR